The following continues an entry in ClinVar:

NM_000051.4(ATM):c.2275A>G (p.Ser759Gly)

Gene: ATM. ClinVar aggregate classification (germline): Conflicting classifications of pathogenicity. Uncertain significance (16); Likely benign (1).

Submissions 14 to 19 of 19:

CeGaT Center for Human Genetics Tuebingen
Classification: Uncertain significance. Last evaluated: 2022-04-01. Review status: criteria provided, single submitter. Criteria: CeGaT Center For Human Genetics Tuebingen Variant Classification Criteria Version 2. Collection method: clinical testing. Allele origin: germline. Affected: yes. Observed: 1 variant allele.
Comment: ATM: PM2, BP4

Sema4
Classification: Uncertain significance for Hereditary cancer-predisposing syndrome. Last evaluated: 2022-02-24. Review status: criteria provided, single submitter. Criteria: Sema4 Curation Guidelines. Collection method: curation. Allele origin: germline.
Comment: The ATM c.2275A>G (p.S759G) has been reported as heterozygous in at least 7 individuals with breast cancer, pancreatic cancer, or small intestine neuroendocrine cancer (PMID: 21787400, 25186627, 26689913, 26898890, 26976419, 28726808, 34994613). This variant was observed in 9/129144 chromosomes in the European (non-Finnish) population according to the Genome Aggregation Database (PMID: 32461654), and has been reported in ClinVar (Variation ID: 127346). Functional studies have not been performed, and in silico predictions of the variant's effect on protein function are inconclusive. The evidence is insufficient to meet ACMG/AMP criteria for classifying the variant as benign or pathogenic. Thus, the clinical significance of this variant is currently uncertain.

Illumina Laboratory Services, Illumina
Classification: Uncertain significance for Ataxia-telangiectasia syndrome. Last evaluated: 2018-01-12. Review status: criteria provided, single submitter. Criteria: ICSL Variant Classification Criteria 13 December 2019. Collection method: clinical testing. Allele origin: germline.

Fulgent Genetics
Classification: Uncertain significance for Familial cancer of breast; Ataxia-telangiectasia syndrome. Last evaluated: 2017-05-23. Review status: criteria provided, single submitter. Criteria: ACMG Guidelines, 2015. Collection method: clinical testing. Allele origin: unknown.

Natera, Inc.
Classification: Uncertain significance for Ataxia-telangiectasia. Last evaluated: 2020-03-20. Review status: no assertion criteria provided. Collection method: clinical testing. Allele origin: germline. Not counted in ClinVar's aggregate classification.

Department of Pathology and Laboratory Medicine, Sinai Health System
Classification: Uncertain significance. Review status: no assertion criteria provided. Collection method: clinical testing. Allele origin: unknown. Affected: yes. Study: The Canadian Open Genetics Repository (COGR). Not counted in ClinVar's aggregate classification.
Comment: The ATM p.Ser759Gly variant was identified in 3 of 1550 proband chromosomes (frequency: 0.002) from individuals or families with breast cancer (Caminsky 2016, Tung 2016). The variant was also identified in the following databases: dbSNP (ID: rs148705269) as "With Uncertain significance allele", ClinVar (6x uncertain significance), and Clinvitae (3x uncertain significance). The variant was not identified in COGR, Cosmic, MutDB, LOVD 3.0, or ATM-LOVD. The variant was identified in control databases in 8 of 276952 chromosomes at a frequency of 0.00003 (Genome Aggregation Database Feb 27, 2017). It was observed in the European population in 8 of 126678 chromosomes (freq: 0.00006), but not in the African, Other, Latino, Ashkenazi Jewish, East Asian, Finnish, or South Asian populations. The p.Ser759 residue is not conserved in mammals and four out of five computational analyses (PolyPhen-2, SIFT, AlignGVGD, BLOSUM, MutationTaster) do not suggest a high likelihood of impact to the protein; however, this information is not predictive enough to rule out pathogenicity. The variant occurs outside of the splicing consensus sequence and 3 of 5 in silico or computational prediction software programs (SpliceSiteFinder, MaxEntScan, NNSPLICE, GeneSplicer, HumanSpliceFinder) predict a greater than 10% difference in splicing. However, this information is not predictive enough to assume pathogenicity. In summary, based on the above information the clinical significance of this variant cannot be determined with certainty at this time. This variant is classified as a variant of uncertain significance.

Literature cited by the submitters: PubMed 21787400 (cited by 4 submitters); PubMed 26898890 (cited by 6 submitters); PubMed 26976419 (cited by 6 submitters); PubMed 28726808 (cited by 5 submitters); PubMed 32885271 (cited by Ambry Genetics and Athena Diagnostics); PubMed 25186627 (cited by 4 submitters); PubMed 26689913 (cited by 5 submitters); PubMed 31422574 (cited by Women's Health and Genetics/Laboratory Corporation of America, LabCorp and Athena Diagnostics); PubMed 35467778 (cited by Women's Health and Genetics/Laboratory Corporation of America, LabCorp); PubMed 36315919 (cited by 3 submitters); PubMed 34326862 (cited by 3 submitters); PubMed 39226054 (cited by Women's Health and Genetics/Laboratory Corporation of America, LabCorp); PubMed 28652578 (cited by 3 submitters); PubMed 34994613 (cited by Athena Diagnostics and Sema4); PubMed 25085752 (cited by Myriad Genetics, Inc.).